The following is an entry in ClinVar:

NM_020884.7(MYH7B):c.5221_5270del (p.Leu1741fs)

Gene: MYH7B (myosin heavy chain 7B; plus strand). Cytogenetic location: 20q11.22.
Variant type: Deletion.
Coding change: c.5221_5270del on transcript NM_020884.7 (MANE Select); coding-DNA positions 5221 to 5270, 50 bases deleted.
Protein change: p.Leu1741fs; shifts the reading frame from leucine 1741.
Molecular consequence: frameshift variant.
Genome position (GRCh38, 1-based): chr20:35,000,810-35,000,859, 50 bases deleted. GRCh37 (hg19): chr20:33,588,613-33,588,662.
Other names: c.5347_5396del50 (NM_020884.4); short protein forms L1741fs.
Identifiers: ClinVar variation 2720836 (VCV002720836.4), dbSNP rs757859736, ClinGen allele CA9828462.

ClinVar aggregate classification (germline): Uncertain significance. Review status: criteria provided, multiple submitters, no conflicts (2 of 4 stars). 2 submissions from 2 submitters: Uncertain significance (2). Last evaluated 2026-01-21.

Conditions:
MYH7B-related disorder. Also called: MYH7B-related condition.

Allele frequency attached by ClinVar (database versions not stated): ExAC 0.00004.

Submissions (2):

Labcorp Genetics (formerly Invitae), Labcorp
Classification: Uncertain significance. Last evaluated: 2026-01-21. Review status: criteria provided, single submitter. Criteria: Invitae Variant Classification Sherloc (09022015). Collection method: clinical testing. Allele origin: germline.
Comment: This sequence change creates a premature translational stop signal (p.Leu1783Glyfs*2) in the MYH7B gene. It is expected to result in an absent or disrupted protein product. However, the current clinical and genetic evidence is not sufficient to establish whether loss-of-function variants in MYH7B cause disease. This variant is present in population databases (rs757859736, gnomAD 0.04%). This variant has not been reported in the literature in individuals affected with MYH7B-related conditions. ClinVar contains an entry for this variant (Variation ID: 2720836). In summary, the available evidence is currently insufficient to determine the role of this variant in disease. Therefore, it has been classified as a Variant of Uncertain Significance.

PreventionGenetics, part of Exact Sciences
Classification: Uncertain significance for MYH7B-related condition. Last evaluated: 2026-01-11. Review status: criteria provided, single submitter. Criteria: ACMG Guidelines, 2015. Collection method: clinical testing. Allele origin: germline.
Comment: The MYH7B c.5347_5396del50 variant is predicted to result in a frameshift and premature protein termination (p.Leu1783Glyfs*2). To our knowledge, this variant has not been reported in the literature. This variant is reported in 0.033% of alleles in individuals of East Asian descent in gnomAD. At this time, the clinical significance of this variant is uncertain due to the absence of conclusive functional and genetic evidence.